The following is an entry in ClinVar:

NM_004268.5(MED17):c.604A>T (p.Lys202Ter)

Gene: MED17 (mediator complex subunit 17; plus strand). Cytogenetic location: 11q21.
Variant type: single nucleotide variant.
Coding change: c.604A>T on transcript NM_004268.5 (MANE Select); coding-DNA position 604, A replaced by T.
Protein change: p.Lys202Ter; replaces lysine 202 with a stop codon.
Molecular consequence: nonsense.
Genome position (GRCh38, 1-based): chr11:93,790,760, A>T. VCF-style: chr11-93790760-A-T. GRCh37 (hg19) VCF-style: chr11-93523926-A-T.
Other names: short protein forms K202*.
Identifiers: ClinVar variation 2503794 (VCV002503794.1), dbSNP rs2497522528, ClinGen allele CA382354744.

ClinVar aggregate classification (germline): Likely pathogenic (1 of 4 stars; one submission).

Conditions:
Infantile cerebral and cerebellar atrophy with postnatal progressive microcephaly (MSBA). Identifiers: Orphanet 402364, MedGen C3150921, MONDO:0013351, OMIM 613668.

Submission:

Lifecell International Pvt. Ltd
Classification: Likely pathogenic for Infantile cerebral and cerebellar atrophy with postnatal progressive microcephaly. Review status: criteria provided, single submitter. Criteria: ACMG Guidelines, 2015. Collection method: clinical testing. Allele origin: germline. Inheritance: Autosomal recessive inheritance. Affected: yes. Observed: 1 compound heterozygote.
Comment: A Heterozygous Nonsense variant c.604A>T in Exon 3 of the MED17 gene that results in the amino acid substitution p.Lys202* was identified. The observed variant has a maximum allele frequency of --/--% in gnomAD exomes and genomes, respectively. The severity of the impact of this variant on the protein is high, based on the effect of the protein and REVEL score . Rare Exome Variant Ensemble Learner (REVEL) is an ensembl method for predicting the pathogenicity of missense variants based on a combination of scores from 13 individual tools: MutPred, FATHMM v2.3, VEST 3.0, PolyPhen-2, SIFT, PROVEAN, MutationAssessor, MutationTaster, LRT, GERP++, SiPhy, phyloP, and phastCons. The REVEL score for an individual missense variant can range from 0 to 1, with higher scores reflecting greater likelihood that the variant is disease-causing.. Based on the above evidence this variant has been classified as Likely Pathogenic according to the ACMG guidelines.